The following is an entry in ClinVar:

ClinVar aggregate classification (germline): Uncertain significance. Review status: criteria provided, multiple submitters, no conflicts (2 of 4 stars). 3 submissions from 3 submitters: Uncertain significance (3). Last evaluated 2025-08-21.

Conditions:
Cenani-Lenz syndactyly syndrome. Also called: SYNDACTYLY, TYPE VII; CENANI SYNDACTYLISM. Identifiers: Orphanet 3258, MedGen C1859309, MONDO:0008931, OMIM 212780.
Sclerosteosis 2 (SOST2). Identifiers: Orphanet 3152, MedGen C3280402, MONDO:0013679, OMIM 614305.
Congenital myasthenic syndrome 17. Identifiers: Orphanet 590, MedGen C4225377, MONDO:0014578, OMIM 616304.
Inborn genetic diseases. Identifiers: MedGen C0950123, MeSH D030342.

Allele frequency attached by ClinVar (database versions not stated): gnomAD 0.00001 and 0.00002; ExAC 0.00002; TOPMed 0.00002; gnomAD exomes 0.00004.
gnomAD v4.1: 29 of 1,614,064 alleles (0.0018%); highest among the groups gnomAD compares: Admixed American, 0.01%; no homozygotes.

Submissions (3):

Labcorp Genetics (formerly Invitae), Labcorp
Classification: Uncertain significance for Cenani-Lenz syndactyly syndrome; Sclerosteosis 2; Congenital myasthenic syndrome 17. Last evaluated: 2025-08-21. Review status: criteria provided, single submitter. Criteria: Invitae Variant Classification Sherloc (09022015). Collection method: clinical testing. Allele origin: germline.
Comment: This sequence change replaces glutamic acid, which is acidic and polar, with glutamine, which is neutral and polar, at codon 480 of the LRP4 protein (p.Glu480Gln). This variant is present in population databases (rs201502598, gnomAD 0.01%). This variant has not been reported in the literature in individuals affected with LRP4-related conditions. ClinVar contains an entry for this variant (Variation ID: 949097). Invitae Evidence Modeling of protein sequence and biophysical properties (such as structural, functional, and spatial information, amino acid conservation, physicochemical variation, residue mobility, and thermodynamic stability) indicates that this missense variant is not expected to disrupt LRP4 protein function with a negative predictive value of 80%. In summary, the available evidence is currently insufficient to determine the role of this variant in disease. Therefore, it has been classified as a Variant of Uncertain Significance.

Ambry Genetics
Classification: Uncertain significance for Inborn genetic diseases. Last evaluated: 2022-07-13. Review status: criteria provided, single submitter. Criteria: Ambry Variant Classification Scheme 2023. Collection method: clinical testing. Allele origin: germline.

Fulgent Genetics
Classification: Uncertain significance for Cenani-Lenz syndactyly syndrome; Sclerosteosis 2; Congenital myasthenic syndrome 17. Last evaluated: 2021-12-02. Review status: criteria provided, single submitter. Criteria: ACMG Guidelines, 2015. Collection method: clinical testing. Allele origin: unknown.

NM_002334.4(LRP4):c.1438G>C (p.Glu480Gln)

Gene: LRP4 (LDL receptor related protein 4; minus strand). Cytogenetic location: 11p11.2.
Variant type: single nucleotide variant.
Coding change: c.1438G>C on transcript NM_002334.4 (MANE Select); coding-DNA position 1438, G replaced by C.
Protein change: p.Glu480Gln; replaces glutamic acid 480 with glutamine.
Molecular consequence: missense variant.
Genome position (GRCh38, 1-based): chr11:46,894,691, C>G on the plus strand (G>C on the coding strand, the complement: LRP4 is on the minus strand). VCF-style: chr11-46894691-C-G. GRCh37 (hg19) VCF-style: chr11-46916242-C-G.
Other names: short protein forms E480Q.
Identifiers: ClinVar variation 949097 (VCV000949097.9), dbSNP rs201502598, ClinGen allele CA5970149.